The following is an entry in ClinVar:

ClinVar aggregate classification (germline): Benign/Likely benign. Review status: criteria provided, multiple submitters, no conflicts (2 of 4 stars). 9 submissions from 9 submitters: Benign (5); Likely benign (2). 2 of the submissions do not count toward it. Last evaluated 2026-09-01.

Conditions:
Cardiovascular phenotype. Identifiers: MedGen CN230736.
Brugada syndrome. Also called: Sudden Unexplained Death Syndrome; Sudden Unexplained Nocturnal Death Syndrome (SUNDS); Sudden unexplained nocturnal death syndrome; Sudden unexpected nocturnal death syndrome. Identifiers: Orphanet 130, MedGen C1142166, MONDO:0015263.

Allele frequency attached by ClinVar (database versions not stated): gnomAD exomes 0.00049 and 0.00118; ExAC 0.00136; ESP Exome Variant Server 0.00377; gnomAD 0.00408 and 0.00431; TOPMed 0.00479; 1000 Genomes Project 0.00599; 1000 Genomes Project 30x 0.00734.
gnomAD v4.1: 1,398 of 1,597,466 alleles (0.088%); highest among the groups gnomAD compares: African/African-American, 1.4%; 9 homozygotes.

Submissions (9):

CeGaT Center for Human Genetics Tuebingen
Classification: Likely benign. Last evaluated: 2026-09-01. Review status: criteria provided, single submitter. Criteria: CeGaT Center For Human Genetics Tuebingen Variant Classification Criteria Version 2. Collection method: clinical testing. Allele origin: germline. Affected: yes. Observed: 4 variant alleles.
Comment: SCN10A: BP4, BP7, BS1

Labcorp Genetics (formerly Invitae), Labcorp
Classification: Benign for Brugada syndrome. Last evaluated: 2026-01-29. Review status: criteria provided, single submitter. Criteria: Invitae Variant Classification Sherloc (09022015). Collection method: clinical testing. Allele origin: germline.

Blueprint Genetics
Classification: Likely benign. Last evaluated: 2024-11-25. Review status: criteria provided, single submitter. Criteria: ACMG Guidelines, 2015. Collection method: clinical testing. Allele origin: germline.

Women's Health and Genetics/Laboratory Corporation of America, LabCorp
Classification: Benign. Last evaluated: 2024-05-26. Review status: criteria provided, single submitter. Criteria: LabCorp Variant Classification Summary - May 2015. Collection method: clinical testing. Allele origin: germline.

Ambry Genetics
Classification: Benign for Cardiovascular phenotype. Last evaluated: 2018-12-28. Review status: criteria provided, single submitter. Criteria: Ambry Variant Classification Scheme 2023. Collection method: clinical testing. Allele origin: germline.

GeneDx
Classification: Benign. Last evaluated: 2017-02-27. Review status: criteria provided, single submitter. Criteria: GeneDx Variant Classification (06012015). Collection method: clinical testing. Allele origin: germline. Affected: yes.
Comment: This variant is considered likely benign or benign based on one or more of the following criteria: it is a conservative change, it occurs at a poorly conserved position in the protein, it is predicted to be benign by multiple in silico algorithms, and/or has population frequency not consistent with disease.

Breakthrough Genomics
Classification: Benign. Review status: criteria provided, single submitter. Criteria: ACMG Guidelines, 2015. Collection method: not provided. Allele origin: germline. Inheritance: Autosomal dominant inheritance. Affected: yes.

Clinical Genetics, Academic Medical Center
Classification: Benign. Review status: no assertion criteria provided. Collection method: clinical testing. Allele origin: germline. Affected: yes. Study: VKGL Data-share Consensus. Not counted in ClinVar's aggregate classification.

Joint Genome Diagnostic Labs from Nijmegen and Maastricht, Radboudumc and MUMC+
Classification: Likely benign. Review status: no assertion criteria provided. Collection method: clinical testing. Allele origin: germline. Affected: yes. Study: VKGL Data-share Consensus. Not counted in ClinVar's aggregate classification.

NM_006514.4(SCN10A):c.4656G>A (p.Ala1552=)

Gene: SCN10A (sodium voltage-gated channel alpha subunit 10; minus strand). Cytogenetic location: 3p22.2.
Variant type: single nucleotide variant.
Coding change: c.4656G>A on transcript NM_006514.4 (MANE Select); coding-DNA position 4656, G replaced by A.
Protein change: p.Ala1552=; no amino-acid change (alanine 1552 retained).
Molecular consequence: synonymous variant.
Genome position (GRCh38, 1-based): chr3:38,701,840, C>T on the plus strand (G>A on the coding strand, the complement: SCN10A is on the minus strand). VCF-style: chr3-38701840-C-T. GRCh37 (hg19) VCF-style: chr3-38743331-C-T.
Other names: c.4653G>A, p.Ala1551= (NM_001293306.2); c.4362G>A, p.Ala1454= (NM_001293307.2).
Identifiers: ClinVar variation 506666 (VCV000506666.43), dbSNP rs151182542, ClinGen allele CA2319858.
Genomic context (GRCh38, chr3:38,701,840, plus strand): 5'-GCATCCCAAAGACCCCCAAACAGAGGTGGGGCTTCCCCACCACGTGGCTGCCCACTTACT[C>T]GCAATGGAGAGAACCACCACAATGAAGTCAAACACATTCCAGCCATTTGTGAAGTAGTAC-3'
Protein context (NP_006505.4, residues 1542-1562): FDFIVVVLSI[Ala1552=]SLIFSAILKS